The following is an entry in ClinVar:

NM_004329.3(BMPR1A):c.1398A>C (p.Ser466=)

Gene: BMPR1A (bone morphogenetic protein receptor type 1A; plus strand). Cytogenetic location: 10q23.2.
Variant type: single nucleotide variant.
Coding change: c.1398A>C on transcript NM_004329.3 (MANE Select); coding-DNA position 1398, A replaced by C.
Protein change: p.Ser466=; no amino-acid change (serine 466 retained).
Molecular consequence: synonymous variant.
Genome position (GRCh38, 1-based): chr10:86,923,431, A>C. VCF-style: chr10-86923431-A-C. GRCh37 (hg19) VCF-style: chr10-88683188-A-C.
Identifiers: ClinVar variation 482843 (VCV000482843.27), dbSNP rs56410735, ClinGen allele CA5585709.

ClinVar aggregate classification (germline): Benign/Likely benign. Review status: criteria provided, multiple submitters, no conflicts (2 of 4 stars). 9 submissions from 9 submitters: Benign (6); Likely benign (3). Last evaluated 2026-01-19.

Conditions:
Juvenile polyposis syndrome (JPS). Identifiers: Orphanet 2929, MedGen C0345893, MONDO:0017380, OMIM 174900.
Hereditary cancer-predisposing syndrome. Also called: Hereditary neoplastic syndrome; Neoplastic Syndromes, Hereditary; Tumor predisposition; Hereditary Cancer Syndrome. Identifiers: Orphanet 140162, MedGen C0027672, MeSH D009386, MONDO:0015356.

Allele frequency attached by ClinVar (database versions not stated): gnomAD 0.00001; gnomAD exomes 0.00004 and 0.00011; TOPMed 0.00005; ExAC 0.00014.
gnomAD v4.1: 25 of 1,614,108 alleles (0.0015%); highest among the groups gnomAD compares: Admixed American, 0.042%; no homozygotes.

Submissions (9):

Labcorp Genetics (formerly Invitae), Labcorp
Classification: Benign for Juvenile polyposis syndrome. Last evaluated: 2026-01-19. Review status: criteria provided, single submitter. Criteria: Invitae Variant Classification Sherloc (09022015). Collection method: clinical testing. Allele origin: germline.

Women's Health and Genetics/Laboratory Corporation of America, LabCorp
Classification: Benign. Last evaluated: 2025-07-14. Review status: criteria provided, single submitter. Criteria: LabCorp Variant Classification Summary - May 2015. Collection method: clinical testing. Allele origin: germline.

Myriad Genetics, Inc.
Classification: Benign for Juvenile polyposis syndrome. Last evaluated: 2024-08-08. Review status: criteria provided, single submitter. Criteria: Myriad Autosomal Dominant, Autosomal Recessive and X-Linked Classification Criteria (2023). Collection method: clinical testing. Allele origin: unknown.
Comment: This variant is considered benign. This variant is a silent/synonymous amino acid change and it is not expected to impact splicing.

All of Us Research Program, National Institutes of Health
Classification: Likely benign for Juvenile polyposis syndrome. Last evaluated: 2024-02-05. Review status: criteria provided, single submitter. Criteria: ACMG Guidelines, 2015. Collection method: clinical testing. Allele origin: germline. Inheritance: Autosomal dominant inheritance. Observed: 5 variant alleles, 5 heterozygotes.
Comment: This study involves interpretation of variants in research participants for the purpose of population health screening. Participant phenotype was not available at the time of variant classification. Additional details can be found in publication PMID: 35346344, PMCID: PMC8962531

Quest Diagnostics Nichols Institute San Juan Capistrano
Classification: Benign. Last evaluated: 2022-11-07. Review status: criteria provided, single submitter. Criteria: Quest Diagnostics criteria. Collection method: clinical testing. Allele origin: unknown.

Sema4
Classification: Benign for Hereditary cancer-predisposing syndrome. Last evaluated: 2021-11-04. Review status: criteria provided, single submitter. Criteria: Sema4 Curation Guidelines. Collection method: curation. Allele origin: germline.

Color Diagnostics, LLC DBA Color Health
Classification: Likely benign for Hereditary cancer-predisposing syndrome. Last evaluated: 2017-07-28. Review status: criteria provided, single submitter. Criteria: ACMG Guidelines, 2015. Collection method: clinical testing. Allele origin: germline.

Ambry Genetics
Classification: Likely benign for Hereditary cancer-predisposing syndrome. Last evaluated: 2017-02-17. Review status: criteria provided, single submitter. Criteria: Ambry Variant Classification Scheme 2023. Collection method: clinical testing. Allele origin: germline.

GeneDx
Classification: Benign. Last evaluated: 2015-03-03. Review status: criteria provided, single submitter. Criteria: GeneDx Variant Classification Process June 2021. Collection method: clinical testing. Allele origin: germline. Affected: yes.